The following is an entry in ClinVar:

ClinVar aggregate classification (germline): Uncertain significance. Review status: criteria provided, multiple submitters, no conflicts (2 of 4 stars). 2 submissions from 2 submitters: Uncertain significance (2). Last evaluated 2022-08-19.

Allele frequency attached by ClinVar (database versions not stated): gnomAD 0.00001; TOPMed 0.00002.
gnomAD v4.1: 2 of 1,613,908 alleles (0.00012%); highest among the groups gnomAD compares: African/African-American, 0.0027%; no homozygotes.

Submissions (2):

Labcorp Genetics (formerly Invitae), Labcorp
Classification: Uncertain significance. Last evaluated: 2022-08-19. Review status: criteria provided, single submitter. Criteria: Invitae Variant Classification Sherloc (09022015). Collection method: clinical testing. Allele origin: germline.
Comment: In summary, the available evidence is currently insufficient to determine the role of this variant in disease. Therefore, it has been classified as a Variant of Uncertain Significance. Algorithms developed to predict the effect of missense changes on protein structure and function (SIFT, PolyPhen-2, Align-GVGD) all suggest that this variant is likely to be tolerated. This variant has not been reported in the literature in individuals affected with CNGA1-related conditions. This variant is not present in population databases (gnomAD no frequency). This sequence change replaces glutamine, which is neutral and polar, with proline, which is neutral and non-polar, at codon 81 of the CNGA1 protein (p.Gln81Pro).

Blueprint Genetics
Classification: Uncertain significance. Last evaluated: 2022-01-10. Review status: criteria provided, single submitter. Criteria: ACMG Guidelines, 2015. Collection method: clinical testing. Allele origin: germline.

NM_001379270.1(CNGA1):c.230A>C (p.Gln77Pro)

Genes: CNGA1 (cyclic nucleotide gated channel subunit alpha 1; minus strand), LOC101927157 (uncharacterized LOC101927157; plus strand). Cytogenetic location: 4p12.
Variant type: single nucleotide variant.
Coding change: c.230A>C on transcript NM_001379270.1 (MANE Select); coding-DNA position 230, A replaced by C.
Protein change: p.Gln77Pro; replaces glutamine 77 with proline.
Molecular consequence: missense variant.
Genome position (GRCh38, 1-based): chr4:47,949,890, T>G on the plus strand (A>C on the coding strand, the complement: CNGA1 is on the minus strand). VCF-style: chr4-47949890-T-G. GRCh37 (hg19) VCF-style: chr4-47951907-T-G.
Other names: c.230A>C, p.Gln77Pro (NM_000087.5, NM_001142564.2); c.242A>C, p.Gln81Pro (NM_001375386.1); short protein forms Q77P, Q81P.
Identifiers: ClinVar variation 1902651 (VCV001902651.6), dbSNP rs1023439906, ClinGen allele CA96698354.
Genomic context (GRCh38, chr4:47,949,890, plus strand): 5'-TACTGGTCCTTATTGCTGCTGTTGTTCACATTAAAAAGTGCAATGGCACCAGGCAGGTAC[T>G]GCTCCCTGGGAAATGAAAAACATGCAGTGAAATCACAGTAGTCACCATCTGTATAATGTC-3'
Protein context (NP_001366199.1, residues 67-87): LRKGGPSQRE[Gln77Pro]YLPGAIALFN